The following is an entry in ClinVar:

ClinVar aggregate classification (germline): Likely pathogenic (1 of 4 stars; one submission).

Submission:

Labcorp Genetics (formerly Invitae), Labcorp
Classification: Likely pathogenic. Last evaluated: 2022-01-12. Review status: criteria provided, single submitter. Criteria: Invitae Variant Classification Sherloc (09022015). Collection method: clinical testing. Allele origin: germline.
Comment: In summary, the currently available evidence indicates that the variant is pathogenic, but additional data are needed to prove that conclusively. Therefore, this variant has been classified as Likely Pathogenic. Algorithms developed to predict the effect of sequence changes on RNA splicing suggest that this variant may disrupt the consensus splice site. ClinVar contains an entry for this variant (Variation ID: 1066336). This variant has not been reported in the literature in individuals affected with FREM1-related conditions. This variant is not present in population databases (gnomAD no frequency). This sequence change affects an acceptor splice site in intron 16 of the FREM1 gene. It is expected to disrupt RNA splicing. Variants that disrupt the donor or acceptor splice site typically lead to a loss of protein function (PMID: 16199547), and loss-of-function variants in FREM1 are known to be pathogenic (PMID: 19732862, 21507892).

Literature cited by the submitters: PubMed 16199547; PubMed 19732862; PubMed 21507892.

NM_001379081.2(FREM1):c.2641-1G>T

Genes: FREM1 (FRAS1 related extracellular matrix 1; minus strand), LOC126860582 (P300/CBP strongly-dependent group 1 enhancer GRCh37_chr9:14812530-14813729; plus strand). Cytogenetic location: 9p22.3.
Variant type: single nucleotide variant.
Coding change: c.2641-1G>T on transcript NM_001379081.2 (MANE Select); the canonical splice acceptor site of the intron before coding-DNA position 2641, G replaced by T.
Molecular consequence: splice acceptor variant.
Genome position (GRCh38, 1-based): chr9:14,813,065, C>A on the plus strand (G>T on the coding strand, the complement: FREM1 is on the minus strand). VCF-style: chr9-14813065-C-A. GRCh37 (hg19) VCF-style: chr9-14813063-C-A.
Other names: c.2641-1G>T (NM_144966.7).
Identifiers: ClinVar variation 1066336 (VCV001066336.7), dbSNP rs2133577966, ClinGen allele CA372953918.
Genomic context (GRCh38, chr9:14,813,065, plus strand): 5'-ATTCATGACAGGCATGAGGTCAGCCTTTAAGACTGGTGGCTCATCGTTGACAGGGAATAC[C>A]TAGGCAATGGAAAAAATGCATGTTTTCAGAAAAAGAAAGAAATGACAAATTCTTTGACAG-3'